The following is an entry in ClinVar:

NM_001759.4(CCND2):c.308C>T (p.Ala103Val)

Genes: CCND2 (cyclin D2; plus strand), CCND2-AS1 (CCND2 antisense RNA 1; minus strand). Cytogenetic location: 12p13.32.
Variant type: single nucleotide variant.
Coding change: c.308C>T on transcript NM_001759.4 (MANE Select); coding-DNA position 308, C replaced by T.
Protein change: p.Ala103Val; replaces alanine 103 with valine.
Molecular consequence: missense variant. On other transcripts: non-coding transcript variant (1).
Genome position (GRCh38, 1-based): chr12:4,276,117, C>T. VCF-style: chr12-4276117-C-T. GRCh37 (hg19) VCF-style: chr12-4385283-C-T.
Other names: short protein forms A103V.
Identifiers: ClinVar variation 2706140 (VCV002706140.3), dbSNP rs2120522991, ClinGen allele CA383662132.
Genomic context (GRCh38, chr12:4,276,117, plus strand): 5'-ACCTGGACCGTTTCTTGGCTGGGGTCCCGACTCCGAAGTCCCATCTGCAACTCCTGGGTG[C>T]TGTCTGCATGTTCCTGGCCTCCAAACTCAAAGAGACCAGCCCGCTGACCGCGGAGAAGCT-3'
Protein context (NP_001750.1, residues 93-113): TPKSHLQLLG[Ala103Val]VCMFLASKLK

ClinVar aggregate classification (germline): Uncertain significance (1 of 4 stars; one submission).

Submission:

Labcorp Genetics (formerly Invitae), Labcorp
Classification: Uncertain significance. Last evaluated: 2023-12-28. Review status: criteria provided, single submitter. Criteria: Invitae Variant Classification Sherloc (09022015). Collection method: clinical testing. Allele origin: germline.
Comment: This sequence change replaces alanine, which is neutral and non-polar, with valine, which is neutral and non-polar, at codon 103 of the CCND2 protein (p.Ala103Val). This variant is not present in population databases (gnomAD no frequency). This variant has not been reported in the literature in individuals affected with CCND2-related conditions. Advanced modeling of protein sequence and biophysical properties (such as structural, functional, and spatial information, amino acid conservation, physicochemical variation, residue mobility, and thermodynamic stability) performed at Invitae indicates that this missense variant is not expected to disrupt CCND2 protein function with a negative predictive value of 80%. In summary, the available evidence is currently insufficient to determine the role of this variant in disease. Therefore, it has been classified as a Variant of Uncertain Significance.